The following is an entry in ClinVar:

NC_000023.10:g.(?_32404407)_(32408318_?)del

Gene: DMD (dystrophin; minus strand). Cytogenetic location: Xp21.1.
Variant type: Deletion.
Identifiers: ClinVar variation 1460067 (VCV001460067.4).

ClinVar aggregate classification (germline): Pathogenic (1 of 4 stars; one submission).

Conditions:
Duchenne muscular dystrophy (DMD). Also called: Duchenne Muscular Dystrophy (DMD); MUSCULAR DYSTROPHY, PSEUDOHYPERTROPHIC PROGRESSIVE, DUCHENNE TYPE. Identifiers: Orphanet 98896, MedGen C0013264, MONDO:0010679, OMIM 310200.

Submission:

Labcorp Genetics (formerly Invitae), Labcorp
Classification: Pathogenic for Duchenne muscular dystrophy. Last evaluated: 2021-06-22. Review status: criteria provided, single submitter. Criteria: Invitae Variant Classification Sherloc (09022015). Collection method: clinical testing. Allele origin: germline.
Comment: For these reasons, this variant has been classified as Pathogenic. The region of the DMD gene that includes exon(s) 32 has been determined to be clinically significant (PMID: 17253928, 19084397). Therefore, deletions that encompass that region are likely to disrupt protein function and cause disease. This variant has not been reported in the literature in individuals with DMD-related conditions. This variant is a gross deletion of the genomic region encompassing exon(s) 31-33 of the DMD gene. This variant would be expected to be in-frame, preserving the integrity of the reading frame.

Literature cited by the submitters: PubMed 17253928; PubMed 19084397.